The following is an entry in ClinVar:

ClinVar aggregate classification (germline): Pathogenic (1 of 4 stars; one submission).

Conditions:
Epilepsy, familial focal, with variable foci 3 (FFEVF3). Identifiers: MedGen C4310708, MONDO:0014925, OMIM 617118.

Submission:

Institute of Human Genetics, University of Leipzig Medical Center
Classification: Pathogenic for Epilepsy, familial focal, with variable foci 3. Last evaluated: 2025-11-07. Review status: criteria provided, single submitter. Criteria: ACMG Guidelines, 2015. Collection method: clinical testing. Allele origin: unknown. Inheritance: Autosomal dominant inheritance. Affected: yes.
Comment: Criteria applied: PVS1, PM2

NM_001077350.3:c.(118+1_119-1)_(188+1_189-1)del

Gene: NPRL3 (NPR3 like, GATOR1 complex subunit; minus strand).
Variant type: Deletion.
Other names: c.(118+1_119-1)_(188+1_189-1)del (NM_001077350.3).
Identifiers: ClinVar variation 2502348 (VCV002502348.2).